The following is an entry in ClinVar:

NM_001136472.2(LITAF):c.121C>T (p.Pro41Ser)

Gene: LITAF (lipopolysaccharide induced TNF factor; minus strand). Cytogenetic location: 16p13.13.
Variant type: single nucleotide variant.
Coding change: c.121C>T on transcript NM_001136472.2 (MANE Select); coding-DNA position 121, C replaced by T.
Protein change: p.Pro41Ser; replaces proline 41 with serine.
Molecular consequence: missense variant. On other transcripts: non-coding transcript variant (1).
Genome position (GRCh38, 1-based): chr16:11,556,610, G>A on the plus strand (C>T on the coding strand, the complement: LITAF is on the minus strand). VCF-style: chr16-11556610-G-A. GRCh37 (hg19) VCF-style: chr16-11650466-G-A.
Other names: c.121C>T, p.Pro41Ser (NM_001136473.1, NM_004862.4); short protein forms P41S.
Identifiers: ClinVar variation 4976031 (VCV004976031.1).

ClinVar aggregate classification (germline): Uncertain significance (1 of 4 stars; one submission).

Submission:

GeneDx
Classification: Uncertain significance. Last evaluated: 2026-02-02. Review status: criteria provided, single submitter. Criteria: GeneDx Variant Classification Process June 2021. Collection method: clinical testing. Allele origin: germline.
Comment: Not observed at significant frequency in large population cohorts (gnomAD); In silico analysis suggests that this missense variant does not alter protein structure/function; Has not been previously published as pathogenic or benign to our knowledge